The following is an entry in ClinVar:

NM_001182.5(ALDH7A1):c.1514G>T (p.Gly505Val)

Gene: ALDH7A1 (aldehyde dehydrogenase 7 family member A1; minus strand). Cytogenetic location: 5q23.2.
Variant type: single nucleotide variant.
Coding change: c.1514G>T on transcript NM_001182.5 (MANE Select); coding-DNA position 1514, G replaced by T.
Protein change: p.Gly505Val; replaces glycine 505 with valine.
Molecular consequence: missense variant.
Genome position (GRCh38, 1-based): chr5:126,546,375, C>A on the plus strand (G>T on the coding strand, the complement: ALDH7A1 is on the minus strand). VCF-style: chr5-126546375-C-A. GRCh37 (hg19) VCF-style: chr5-125882067-C-A.
Other names: c.1430G>T, p.Gly477Val (NM_001201377.2); c.1322G>T, p.Gly441Val (NM_001202404.2); short protein forms G441V, G477V, G505V.
Identifiers: ClinVar variation 3382561 (VCV003382561.3).
Genomic context (GRCh38, chr5:126,546,375, plus strand): 5'-TTTTCTTACCAAGTAGACCTTCTCATGTACTGTTTCCAGGCATCACTGCCAGACTCCCTG[C>A]CACCACCAGTGTGCTTTTCTCCTCCTAGAGAAATAAAAAATAATATCATATCTTCTGAGC-3'
Protein context (NP_001173.2, residues 495-515): AFGGEKHTGG[Gly505Val]RESGSDAWKQ

ClinVar aggregate classification (germline): Likely pathogenic. Review status: criteria provided, multiple submitters, no conflicts (2 of 4 stars). 2 submissions from 2 submitters: Likely pathogenic (2). Last evaluated 2024-03-19.

Conditions:
Pyridoxine-dependent epilepsy (EPEO4). Also called: PYRIDOXINE DEPENDENCY WITH SEIZURES; Pyridoxine-Dependent Seizures; Pyridoxine-Dependent Epilepsy - ALDH7A1; EPILEPSY, EARLY-ONSET, 4, VITAMIN B6-DEPENDENT. Identifiers: Orphanet 3006, MedGen C1849508, MONDO:0009945, OMIM 266100. Disease mechanism: loss of function.

Submissions (2):

3billion
Classification: Likely pathogenic for Pyridoxine-dependent epilepsy. Last evaluated: 2024-03-19. Review status: criteria provided, single submitter. Criteria: ACMG Guidelines, 2015. Collection method: clinical testing. Allele origin: germline. Affected: yes.
Comment: The variant is observed at an extremely low frequency in the gnomAD v2.1.1 dataset (total allele frequency: 0.001%). Predicted Consequence/Location: Missense variant In silico tool predictions suggest damaging effect of the variant on gene or gene product [REVEL: 0.75 (>=0.6, sensitivity 0.68 and specificity 0.92); 3Cnet: 0.85 (>=0.6, sensitivity 0.72 and precision 0.9)]. Same nucleotide change resulting in same amino acid change has been previously reported as pathogenic/likely pathogenic with strong evidence (ClinVar ID: VCV001074455 /PMID: 22371912 /3billion dataset). The variant has been reported to be in trans with a pathogenic variant as either compound heterozygous or homozygous in at least 4 similarly affected unrelated individuals (PMID: 31737911, 33822359). A different missense change at the same codon (p.Tyr354Ser) has been reported to be associated with ALDH7A1 related disorder (ClinVar ID: VCV002500759). Therefore, this variant is classified as Pathogenic according to the recommendation of ACMG/AMP guideline.

Juno Genomics, Hangzhou Juno Genomics, Inc
Classification: Likely pathogenic for Pyridoxine-dependent epilepsy. Review status: criteria provided, single submitter. Criteria: ACMG Guidelines, 2015. Collection method: clinical testing. Allele origin: germline. Affected: yes.
Comment: Absent from controls (or at extremely low frequency if recessive) in Genome Aggregation Database, Exome Sequencing Project, 1000 Genomes Project, or Exome Aggregation Consortium.;Multiple lines of computational evidence support a deleterious effect on the gene or gene product (conservation, evolutionary, splicing impact, etc).;Novel missense change at an amino acid residue where a different missense change determined to be pathogenic has been seen before.;For recessive disorders, detected in trans with a pathogenic variant.;Patient's phenotype or family history is highly specific for a disease with a single genetic etiology.

Literature cited by the submitters: PubMed 19128417 (cited by 3billion).